The following is an entry in ClinVar:

ClinVar aggregate classification (germline): Likely benign (0 of 4 stars; one submission).

Conditions:
DNAH17-related disorder. Also called: DNAH17-related condition.

Allele frequency attached by ClinVar (database versions not stated): ExAC 0.00094; gnomAD 0.00151; 1000 Genomes Project 30x 0.00156; 1000 Genomes Project 0.00160; ESP Exome Variant Server 0.00185.
gnomAD v4.1: 478 of 1,589,714 alleles (0.03%); highest among the groups gnomAD compares: African/African-American, 0.51%; no homozygotes.

Submission:

PreventionGenetics, part of Exact Sciences
Classification: Likely benign for DNAH17-related condition. Last evaluated: 2020-01-31. Review status: no assertion criteria provided. Collection method: clinical testing. Allele origin: germline.
Comment: This variant is classified as likely benign based on ACMG/AMP sequence variant interpretation guidelines (Richards et al. 2015 PMID: 25741868, with internal and published modifications).

NM_173628.4(DNAH17):c.11212-7C>T

Gene: DNAH17 (dynein axonemal heavy chain 17; minus strand). Cytogenetic location: 17q25.3.
Variant type: single nucleotide variant.
Coding change: c.11212-7C>T on transcript NM_173628.4 (MANE Select); 7 bases into the intron before coding-DNA position 11212, C replaced by T.
Molecular consequence: intron variant.
Genome position (GRCh38, 1-based): chr17:78,445,687, G>A on the plus strand (C>T on the coding strand, the complement: DNAH17 is on the minus strand). VCF-style: chr17-78445687-G-A. GRCh37 (hg19) VCF-style: chr17-76441769-G-A.
Identifiers: ClinVar variation 3051790 (VCV003051790.2), dbSNP rs369238669, ClinGen allele CA8800526.